The following is an entry in ClinVar:

NM_000618.5(IGF1):c.*4536T>C

Genes: IGF1 (insulin like growth factor 1; minus strand), LINC02456 (long intergenic non-protein coding RNA 2456; plus strand). Cytogenetic location: 12q23.2.
Variant type: single nucleotide variant.
Coding change: c.*4536T>C on transcript NM_000618.5 (MANE Select); 4536 bases downstream of the stop codon, T replaced by C.
Molecular consequence: 3 prime UTR variant.
Genome position (GRCh38, 1-based): chr12:102,397,971, A>G on the plus strand (T>C on the coding strand, the complement: IGF1 is on the minus strand). VCF-style: chr12-102397971-A-G. GRCh37 (hg19) VCF-style: chr12-102791749-A-G.
Other names: c.*4570T>C (NM_001111283.3); c.*4536T>C (NM_001111284.2).
Identifiers: ClinVar variation 306851 (VCV000306851.5), dbSNP rs3730205, ClinGen allele CA10636188.
Genomic context (GRCh38, chr12:102,397,971, plus strand): 5'-AACATTTTAAATAGTCTGATTATAGCTTCAACAAGTCAAACATACATTTCTATCTAGCCT[A>G]TAGTTTTAAAGAGTCTATGTGGGTTTAACTTATTATTCCTCATTCTGATATAAAAAAAGA-3'

ClinVar aggregate classification (germline): Benign (1 of 4 stars; one submission).

Conditions:
Growth delay due to insulin-like growth factor type 1 deficiency (IGF1D). Also called: GROWTH RETARDATION WITH SENSORINEURAL DEAFNESS AND MENTAL RETARDATION; IGF1 DEFICIENCY. Identifiers: Orphanet 73272, MedGen C1837475, MONDO:0012110, OMIM 608747.

Allele frequency attached by ClinVar (database versions not stated): 1000 Genomes Project 0.00419; 1000 Genomes Project 30x 0.00468; gnomAD 0.00650 and 0.00705; TOPMed 0.00801.

Submission:

Illumina Laboratory Services, Illumina
Classification: Benign for Growth delay due to insulin-like growth factor type 1 deficiency. Last evaluated: 2018-01-13. Review status: criteria provided, single submitter. Criteria: ICSL Variant Classification Criteria 13 December 2019. Collection method: clinical testing. Allele origin: germline.
Comment: This variant was observed in the ICSL laboratory as part of a predisposition screen in an ostensibly healthy population. It had not been previously curated by ICSL or reported in the Human Gene Mutation Database (HGMD: prior to June 1st, 2018), and was therefore a candidate for classification through an automated scoring system. Utilizing variant allele frequency, disease prevalence and penetrance estimates, and inheritance mode, an automated score was calculated to assess if this variant is too frequent to cause the disease. Based on the score and internal cut-off values, a variant classified as benign is not then subjected to further curation. The score for this variant resulted in a classification of benign for this disease.